The following is an entry in ClinVar:

ClinVar aggregate classification (germline): Uncertain significance. Review status: criteria provided, multiple submitters, no conflicts (2 of 4 stars). 2 submissions from 2 submitters: Uncertain significance (2). Last evaluated 2026-08-05.

Conditions:
Cardiovascular phenotype. Identifiers: MedGen CN230736.
Legius syndrome. Identifiers: Orphanet 137605, MedGen C1969623, MONDO:0012669, OMIM 611431. Disease mechanism: loss of function.

gnomAD v4.1: 3 of 1,614,006 alleles (0.00019%); highest among the groups gnomAD compares: African/African-American, 0.004%; no homozygotes.

Submissions (2):

Ambry Genetics
Classification: Uncertain significance for Cardiovascular phenotype. Last evaluated: 2026-08-05. Review status: criteria provided, single submitter. Criteria: Ambry Variant Classification Scheme 2023. Collection method: clinical testing. Allele origin: germline.

Labcorp Genetics (formerly Invitae), Labcorp
Classification: Uncertain significance for Legius syndrome. Last evaluated: 2025-12-16. Review status: criteria provided, single submitter. Criteria: Invitae Variant Classification Sherloc (09022015). Collection method: clinical testing. Allele origin: germline.
Comment: This sequence change replaces aspartic acid, which is acidic and polar, with tyrosine, which is neutral and polar, at codon 329 of the SPRED1 protein (p.Asp329Tyr). This variant is not present in population databases (gnomAD no frequency). This variant has not been reported in the literature in individuals affected with SPRED1-related conditions. ClinVar contains an entry for this variant (Variation ID: 1433704). Invitae Evidence Modeling of protein sequence and biophysical properties (such as structural, functional, and spatial information, amino acid conservation, physicochemical variation, residue mobility, and thermodynamic stability) indicates that this missense variant is not expected to disrupt SPRED1 protein function with a negative predictive value of 80%. In summary, the available evidence is currently insufficient to determine the role of this variant in disease. Therefore, it has been classified as a Variant of Uncertain Significance.

NM_152594.3(SPRED1):c.985G>T (p.Asp329Tyr)

Gene: SPRED1 (sprouty related EVH1 domain containing 1; plus strand). Cytogenetic location: 15q14.
Variant type: single nucleotide variant.
Coding change: c.985G>T on transcript NM_152594.3 (MANE Select); coding-DNA position 985, G replaced by T.
Protein change: p.Asp329Tyr; replaces aspartic acid 329 with tyrosine.
Molecular consequence: missense variant.
Genome position (GRCh38, 1-based): chr15:38,351,314, G>T. VCF-style: chr15-38351314-G-T. GRCh37 (hg19) VCF-style: chr15-38643515-G-T.
Other names: c.985G>T (NM_152594.2); short protein forms D329Y.
Identifiers: ClinVar variation 1433704 (VCV001433704.8), dbSNP rs756634323, ClinGen allele CA391933688.
Genomic context (GRCh38, chr15:38,351,314, plus strand): 5'-GTGGTATTTAAGACGCAGCCTTCCTCATTAAAAATTAAGAAGTCAAAACGAAGAAAAGAG[G>T]ATGGTGAACGTTCTCGCTGCGTATACTGCCAGGAAAGGTTTAATCATGAAGAAAATGTTA-3'
Protein context (NP_689807.1, residues 319-339): KIKKSKRRKE[Asp329Tyr]GERSRCVYCQ